The following is an entry in ClinVar:

ClinVar aggregate classification (germline): Uncertain significance (1 of 4 stars; one submission).

gnomAD v4.1: 1 of 1,614,126 alleles (0.000062%); highest among the groups gnomAD compares: East Asian, 0.0022%; no homozygotes.

Submission:

GeneDx
Classification: Uncertain significance. Last evaluated: 2024-05-22. Review status: criteria provided, single submitter. Criteria: GeneDx Variant Classification Process June 2021. Collection method: clinical testing. Allele origin: germline. Affected: yes.
Comment: Not observed at significant frequency in large population cohorts (gnomAD); In silico analysis supports a deleterious effect on splicing; Has not been previously published as pathogenic or benign to our knowledge

NM_006231.4(POLE):c.366G>A (p.Lys122=)

Gene: POLE (DNA polymerase epsilon, catalytic subunit; minus strand). Cytogenetic location: 12q24.33.
Variant type: single nucleotide variant.
Coding change: c.366G>A on transcript NM_006231.4 (MANE Select); coding-DNA position 366, G replaced by A.
Protein change: p.Lys122=; no amino-acid change (lysine 122 retained).
Molecular consequence: synonymous variant.
Genome position (GRCh38, 1-based): chr12:132,680,011, C>T on the plus strand (G>A on the coding strand, the complement: POLE is on the minus strand). VCF-style: chr12-132680011-C-T. GRCh37 (hg19) VCF-style: chr12-133256597-C-T.
Identifiers: ClinVar variation 3381266 (VCV003381266.1).